The following is an entry in ClinVar:

ClinVar aggregate classification (germline): Uncertain significance (1 of 4 stars; one submission).

Conditions:
Glycogen storage disease IXd (GSD9D). Also called: Muscle Phosphorylase Kinase Deficiency; GSD IXd. Identifiers: Orphanet 715, MedGen C1845151, MONDO:0010362, OMIM 300559.

Submission:

Labcorp Genetics (formerly Invitae), Labcorp
Classification: Uncertain significance for Glycogen storage disease IXd. Last evaluated: 2023-06-08. Review status: criteria provided, single submitter. Criteria: Invitae Variant Classification Sherloc (09022015). Collection method: clinical testing. Allele origin: unknown.
Comment: In summary, the available evidence is currently insufficient to determine the role of this variant in disease. Therefore, it has been classified as a Variant of Uncertain Significance. Variants that disrupt the consensus splice site are a relatively common cause of aberrant splicing (PMID: 17576681, 9536098). This variant has not been reported in the literature in individuals affected with PHKA1-related conditions. This variant results in the deletion of exons 30-31 and part of exon 32 (c.3244-155_3620del) of the PHKA1 gene. While this variant is not anticipated to result in nonsense mediated decay, it likely alters RNA splicing and results in a disrupted protein product.

Literature cited by the submitters: PubMed 17576681; PubMed 9536098.

NC_000023.10:g.(?_71800904)_(71804307_?)del

Gene: PHKA1 (phosphorylase kinase regulatory subunit alpha 1; minus strand). Cytogenetic location: Xq13.2.
Variant type: Deletion.
Identifiers: ClinVar variation 3244673 (VCV003244673.1).